The following is an entry in ClinVar:

ClinVar aggregate classification (germline): Likely pathogenic (1 of 4 stars; one submission).

Conditions:
Leukoencephalopathy with brain stem and spinal cord involvement-high lactate syndrome (LBSL). Also called: MITOCHONDRIAL ASPARTYL-tRNA SYNTHETASE DEFICIENCY; Leukoencephalopathy with Brainstem and Spinal Cord Involvement and Lactate Elevation; LEUKOENCEPHALOPATHY WITH BRAINSTEM AND SPINAL CORD INVOLVEMENT AND LACTATE ELEVATION, MILD. Identifiers: Orphanet 137898, MedGen C1970180, MONDO:0012622, OMIM 611105.

Submission:

Women's Health and Genetics/Laboratory Corporation of America, LabCorp
Classification: Likely pathogenic for Leukoencephalopathy with brain stem and spinal cord involvement-high lactate syndrome. Last evaluated: 2023-06-26. Review status: criteria provided, single submitter. Criteria: LabCorp Variant Classification Summary - May 2015. Collection method: clinical testing. Allele origin: germline.
Comment: Variant summary: DARS2 c.294+2_294+7delTAATAG is located in a canonical splice-site and is predicted to affect mRNA splicing resulting in a significantly altered protein due to either exon skipping, shortening, or inclusion of intronic material. Several computational tools predict a significant impact on normal splicing: Three predict the variant abolishes a 5' splicing donor site. However, these predictions have yet to be confirmed by functional studies. The variant was absent in 251286 control chromosomes. To our knowledge, no occurrence of c.294+2_294+7delTAATAG in individuals affected with Leukoencephalopathy With Brain Stem And Spinal Cord Involvement-High Lactate Syndrome and no experimental evidence demonstrating its impact on protein function have been reported. No submitters have cited clinical-significance assessments for this variant to ClinVar after 2014. Based on the evidence outlined above, the variant was classified as likely pathogenic.

NM_018122.5(DARS2):c.294+2_294+7del

Gene: DARS2 (aspartyl-tRNA synthetase 2, mitochondrial; plus strand). Cytogenetic location: 1q25.1.
Variant type: Deletion.
Coding change: c.294+2_294+7del on transcript NM_018122.5 (MANE Select); the canonical splice donor site of the intron after coding-DNA position 294 through 7 bases into the intron after coding-DNA position 294, 6 bases deleted (TAATAG; older notation c.294+2_294+7delTAATAG).
Molecular consequence: splice donor variant.
Genome position (GRCh38, 1-based): chr1:173,828,401-173,828,406, TAATAG deleted; deleting any 6 consecutive bases within chr1:173,828,400-173,828,406 gives the same sequence; the c. name uses the placement nearest the transcript's 3' end. VCF-style (leftmost placement, unchanged base first): chr1-173828399-GGTAATA-G. GRCh37 (hg19) VCF-style: chr1-173797537-GGTAATA-G.
Other names: c.294+2_294+7del (NM_001365212.1, NM_001365213.2).
Identifiers: ClinVar variation 2573590 (VCV002573590.1), dbSNP rs1652673428, ClinGen allele CA1207901511.
Genomic context (GRCh38, chr1:173,828,399, plus strand): 5'-CACATTCTTGGTCCTAAGAGATTTCGATGGGCTTGTTCAAGTTATCATTCCCCAGGATGA[GGTAATA>G]GAAAATTTCCTGTTATTATCTAAAAGCTTCTTTGATGCTATTGCTGGGGTAAGCTAAGTA-3'